The following is an entry in ClinVar:

ClinVar aggregate classification (germline): Uncertain significance (1 of 4 stars; one submission).

Conditions:
Idiopathic generalized epilepsy. Also called: EIG; Generalised epilepsy. Identifiers: MedGen C0270850, MONDO:0005579, OMIM 600669.

Allele frequency attached by ClinVar (database versions not stated): gnomAD exomes 0.00001; TOPMed 0.00002.
gnomAD v4.1: 19 of 1,546,628 alleles (0.0012%); highest among the groups gnomAD compares: Non-Finnish European, 0.0017%; no homozygotes.

Submission:

Labcorp Genetics (formerly Invitae), Labcorp
Classification: Uncertain significance for Idiopathic generalized epilepsy. Last evaluated: 2024-07-02. Review status: criteria provided, single submitter. Criteria: Invitae Variant Classification Sherloc (09022015). Collection method: clinical testing. Allele origin: germline.
Comment: This sequence change replaces threonine, which is neutral and polar, with alanine, which is neutral and non-polar, at codon 216 of the RBFOX3 protein (p.Thr216Ala). The frequency data for this variant in the population databases is considered unreliable, as metrics indicate poor data quality at this position in the gnomAD database. This variant has not been reported in the literature in individuals affected with RBFOX3-related conditions. ClinVar contains an entry for this variant (Variation ID: 860032). Advanced modeling of protein sequence and biophysical properties (such as structural, functional, and spatial information, amino acid conservation, physicochemical variation, residue mobility, and thermodynamic stability) performed at Invitae indicates that this missense variant is not expected to disrupt RBFOX3 protein function with a negative predictive value of 80%. In summary, the available evidence is currently insufficient to determine the role of this variant in disease. Therefore, it has been classified as a Variant of Uncertain Significance.

NM_001350451.2(RBFOX3):c.646A>G (p.Thr216Ala)

Gene: RBFOX3 (RNA binding fox-1 homolog 3; minus strand). Cytogenetic location: 17q25.3.
Variant type: single nucleotide variant.
Coding change: c.646A>G on transcript NM_001350451.2 (MANE Select); coding-DNA position 646, A replaced by G.
Protein change: p.Thr216Ala; replaces threonine 216 with alanine.
Molecular consequence: missense variant.
Genome position (GRCh38, 1-based): chr17:79,097,401, T>C on the plus strand (A>G on the coding strand, the complement: RBFOX3 is on the minus strand). VCF-style: chr17-79097401-T-C. GRCh37 (hg19) VCF-style: chr17-77093483-T-C.
Other names: c.646A>G, p.Thr216Ala (NM_001082575.3, NM_001350453.2, NM_001385804.1 and 33 more transcripts); c.643A>G, p.Thr215Ala (NM_001385806.1, NM_001385822.1, NM_001385823.1 and 4 more transcripts); c.553A>G, p.Thr185Ala (NM_001385824.1); c.667A>G, p.Thr223Ala (NM_001385827.1); c.499A>G, p.Thr167Ala (NM_001385847.1); short protein forms T216A, T167A, T185A, T215A, T223A.
Identifiers: ClinVar variation 860032 (VCV000860032.9), dbSNP rs1456815875, ClinGen allele CA401316569.